The following is an entry in ClinVar:

NM_001371904.1(APOA5):c.775A>T (p.Arg259Ter)

Gene: APOA5 (apolipoprotein A5; minus strand). Cytogenetic location: 11q23.3.
Variant type: single nucleotide variant.
Coding change: c.775A>T on transcript NM_001371904.1 (MANE Select); coding-DNA position 775, A replaced by T.
Protein change: p.Arg259Ter; replaces arginine 259 with a stop codon.
Molecular consequence: nonsense.
Genome position (GRCh38, 1-based): chr11:116,790,454, T>A on the plus strand (A>T on the coding strand, the complement: APOA5 is on the minus strand). VCF-style: chr11-116790454-T-A. GRCh37 (hg19) VCF-style: chr11-116661170-T-A.
Other names: c.775A>T, p.Arg259Ter (NM_001166598.2, NM_052968.5); short protein forms R259*.
Identifiers: ClinVar variation 1760482 (VCV001760482.4), dbSNP rs758216033, ClinGen allele CA6288997.
Genomic context (GRCh38, chr11:116,790,454, plus strand): 5'-CGGAGAGCATCTGGGGGTCCGGGCCGGCCCCTTCCTCAGTCCCAGTGCCTGCAAAGGCTC[T>A]GCTGAGCTCTTCGCGCAGCTGGTCCAGGTTCTGCTGGATGCGTGCGTGCAGGGCCTTGGC-3'

ClinVar aggregate classification (germline): Likely pathogenic. Review status: criteria provided, multiple submitters, no conflicts (2 of 4 stars). 2 submissions from 2 submitters: Likely pathogenic (2). Last evaluated 2026-03-25.

Conditions:
Cardiovascular phenotype. Identifiers: MedGen CN230736.
APOA5-related disorder. Also called: APOA5-related condition.

Allele frequency attached by ClinVar (database versions not stated): ExAC 0.00001; gnomAD 0.00001.
gnomAD v4.1: 2 of 1,603,968 alleles (0.00012%); highest among the groups gnomAD compares: Admixed American, 0.0033%; no homozygotes.

Submissions (2):

Ambry Genetics
Classification: Likely pathogenic for Cardiovascular phenotype. Last evaluated: 2026-03-25. Review status: criteria provided, single submitter. Criteria: Ambry Variant Classification Scheme 2023. Collection method: clinical testing. Allele origin: germline.
Comment: The p.R259* variant (also known as c.775A>T), located in coding exon 3 of the APOA5 gene, results from an A to T substitution at nucleotide position 775. This changes the amino acid from an arginine to a stop codon within coding exon 3. This alteration occurs at the 3&rsquo; terminus of the APOA5 gene and is not expected to trigger nonsense-mediated mRNA decay. However, premature stop codons are typically deleterious in nature, and this variant results in the loss of approximately 30% of the protein, including a C-terminal domain that has been implicated in lipid binding (Sun G et al. Chem Phys Lipids, 2006 Sep;143:22-8). This variant is considered to be rare based on population cohorts in the Genome Aggregation Database (gnomAD). Based on the majority of available evidence to date, this variant is likely to be pathogenic.

PreventionGenetics, part of Exact Sciences
Classification: Likely pathogenic for APOA5-related condition. Last evaluated: 2026-03-11. Review status: criteria provided, single submitter. Criteria: ACMG Guidelines, 2015. Collection method: clinical testing. Allele origin: germline.
Comment: The APOA5 c.775A>T variant is predicted to result in premature protein termination (p.Arg259*). This variant has been reported in a cohort study with hypertriglyceridemia (Table S2, Deshotels et al. 2022. PubMed ID: 36325899). This variant is reported in 0.0057% of alleles in individuals of Latino descent in gnomAD. Nonsense variants in APOA5 are expected to be pathogenic. This variant is interpreted as likely pathogenic.

Literature cited by the submitters: PubMed 36325899 (cited by Ambry Genetics); PubMed 38117614 (cited by Ambry Genetics).